The following is an entry in ClinVar:

NM_015627.3(LDLRAP1):c.70G>C (p.Gly24Arg)

Genes: LDLRAP1 (low density lipoprotein receptor adaptor protein 1; plus strand), LOC129929773 (ATAC-STARR-seq lymphoblastoid silent region 456; plus strand). Cytogenetic location: 1p36.11.
Variant type: single nucleotide variant.
Coding change: c.70G>C on transcript NM_015627.3 (MANE Select); coding-DNA position 70, G replaced by C.
Protein change: p.Gly24Arg; replaces glycine 24 with arginine.
Molecular consequence: missense variant.
Genome position (GRCh38, 1-based): chr1:25,543,768, G>C. VCF-style: chr1-25543768-G-C. GRCh37 (hg19) VCF-style: chr1-25870259-G-C.
Other names: short protein forms G24R.
Identifiers: ClinVar variation 3895787 (VCV003895787.2).

ClinVar aggregate classification (germline): Uncertain significance. Review status: criteria provided, multiple submitters, no conflicts (2 of 4 stars). 2 submissions from 2 submitters: Uncertain significance (2). Last evaluated 2025-11-25.

Conditions:
Cardiovascular phenotype. Identifiers: MedGen CN230736.

gnomAD v4.1: 10 of 1,209,208 alleles (0.00083%); highest among the groups gnomAD compares: Middle Eastern, 0.064%; no homozygotes.

Submissions (2):

Ambry Genetics
Classification: Uncertain significance for Cardiovascular phenotype. Last evaluated: 2025-11-25. Review status: criteria provided, single submitter. Criteria: Ambry Variant Classification Scheme 2023. Collection method: clinical testing. Allele origin: germline.
Comment: The p.G24R variant (also known as c.70G>C), located in coding exon 1 of the LDLRAP1 gene, results from a G to C substitution at nucleotide position 70. The glycine at codon 24 is replaced by arginine, an amino acid with dissimilar properties. This amino acid position is conserved. In addition, this alteration is predicted to be tolerated by in silico analysis. Based on the available evidence, the clinical significance of this variant remains unclear.

Women's Health and Genetics/Laboratory Corporation of America, LabCorp
Classification: Uncertain significance. Last evaluated: 2025-03-07. Review status: criteria provided, single submitter. Criteria: LabCorp Variant Classification Summary - May 2015. Collection method: clinical testing. Allele origin: germline.
Comment: Variant summary: LDLRAP1 c.70G>C (p.Gly24Arg) results in a non-conservative amino acid change in the encoded protein sequence. Three of five in-silico tools predict a benign effect of the variant on protein function. The variant was absent in 330 control chromosomes (gnomAD). The available data on variant occurrences in the general population are insufficient to allow any conclusion about variant significance. To our knowledge, no occurrence of c.70G>C in individuals affected with Familial Hypercholesterolemia and no experimental evidence demonstrating its impact on protein function have been reported. No submitters have cited clinical-significance assessments for this variant to ClinVar. Based on the evidence outlined above, the variant was classified as uncertain significance.